The following is an entry in ClinVar:

NM_006237.4(POU4F1):c.942G>A (p.Ser314=)

Genes: OBI1-AS1 (OBI1 antisense RNA 1; plus strand), POU4F1 (POU class 4 homeobox 1; minus strand). Cytogenetic location: 13q31.1.
Variant type: single nucleotide variant.
Coding change: c.942G>A on transcript NM_006237.4 (MANE Select); coding-DNA position 942, G replaced by A.
Protein change: p.Ser314=; no amino-acid change (serine 314 retained).
Molecular consequence: synonymous variant.
Genome position (GRCh38, 1-based): chr13:78,601,733, C>T on the plus strand (G>A on the coding strand, the complement: POU4F1 is on the minus strand). VCF-style: chr13-78601733-C-T. GRCh37 (hg19) VCF-style: chr13-79175868-C-T.
Identifiers: ClinVar variation 3355536 (VCV003355536.1).

ClinVar aggregate classification (germline): Likely benign (0 of 4 stars; one submission).

Conditions:
POU4F1-related disorder. Also called: POU4F1-related condition.

Submission:

PreventionGenetics, part of Exact Sciences
Classification: Likely benign for POU4F1-related condition. Last evaluated: 2024-09-21. Review status: no assertion criteria provided. Collection method: clinical testing. Allele origin: germline.
Comment: This variant is classified as likely benign based on ACMG/AMP sequence variant interpretation guidelines (Richards et al. 2015 PMID: 25741868, with internal and published modifications).